The following is an entry in ClinVar:

ClinVar aggregate classification (germline): Pathogenic. Review status: criteria provided, multiple submitters, no conflicts (2 of 4 stars). 2 submissions from 2 submitters: Pathogenic (2). Last evaluated 2024-09-11.

Conditions:
Polycystic kidney disease, adult type (PKD1). Also called: POLYCYSTIC KIDNEY DISEASE, ADULT, TYPE I; Polycystic Kidney, Autosomal Dominant; Polycystic Kidney Disease 1, Autosomal Dominant; Polycystic kidney disease 1; Polycystic kidney disease 1, severe; POLYCYSTIC KIDNEY DISEASE 1 WITH OR WITHOUT POLYCYSTIC LIVER DISEASE. Identifiers: MedGen C3149841, MONDO:0008263, OMIM 173900.
Inborn genetic diseases. Identifiers: MedGen C0950123, MeSH D030342.

Submissions (2):

Ambry Genetics
Classification: Pathogenic for Inborn genetic diseases. Last evaluated: 2024-09-11. Review status: criteria provided, single submitter. Criteria: Ambry Variant Classification Scheme 2023. Collection method: clinical testing. Allele origin: germline.
Comment: The c.4818delC (p.F1607Sfs*26) alteration, located in exon 15 (coding exon 15) of the PKD1 gene, consists of a deletion of one nucleotide at position 4818, causing a translational frameshift with a predicted alternate stop codon after 26 amino acids. This alteration is expected to result in loss of function by premature protein truncation or nonsense-mediated mRNA decay. This variant was not reported in population-based cohorts in the Genome Aggregation Database (gnomAD). Based on the available evidence, this alteration is classified as pathogenic.

Fulgent Genetics
Classification: Pathogenic for Polycystic kidney disease, adult type. Last evaluated: 2024-05-09. Review status: criteria provided, single submitter. Criteria: ACMG Guidelines, 2015. Collection method: clinical testing. Allele origin: germline.

NM_001009944.3(PKD1):c.4818del (p.Phe1607fs)

Gene: PKD1 (polycystin 1, transient receptor potential channel interacting; minus strand). Cytogenetic location: 16p13.3.
Variant type: Deletion.
Coding change: c.4818del on transcript NM_001009944.3 (MANE Select); coding-DNA position 4818, one base deleted (C; older notation c.4818delC).
Protein change: p.Phe1607fs; shifts the reading frame from phenylalanine 1607.
Molecular consequence: frameshift variant.
Genome position (GRCh38, 1-based): chr16:2,110,349, G deleted on the plus strand (C on the coding strand, the reverse complement: PKD1 is on the minus strand); the first of 2 consecutive G bases (chr16:2,110,349-2,110,350); deleting either gives the same sequence. VCF-style (leftmost placement, unchanged base first): chr16-2110348-AG-A. GRCh37 (hg19) VCF-style: chr16-2160349-AG-A.
Other names: c.4818del, p.Phe1607fs (NM_000296.4); short protein forms F1607fs.
Identifiers: ClinVar variation 3419031 (VCV003419031.2).